The following is an entry in ClinVar:

NM_001079843.3(CASZ1):c.1131C>T (p.Asp377=)

Gene: CASZ1 (castor zinc finger 1; minus strand). Cytogenetic location: 1p36.22.
Variant type: single nucleotide variant.
Coding change: c.1131C>T on transcript NM_001079843.3 (MANE Select); coding-DNA position 1131, C replaced by T.
Protein change: p.Asp377=; no amino-acid change (aspartic acid 377 retained).
Molecular consequence: synonymous variant.
Genome position (GRCh38, 1-based): chr1:10,659,911, G>A on the plus strand (C>T on the coding strand, the complement: CASZ1 is on the minus strand). VCF-style: chr1-10659911-G-A. GRCh37 (hg19) VCF-style: chr1-10719968-G-A.
Other names: c.1131C>T, p.Asp377= (NM_017766.5).
Identifiers: ClinVar variation 2071904 (VCV002071904.29), dbSNP rs140148473, ClinGen allele CA585234.

ClinVar aggregate classification (germline): Likely benign. Review status: criteria provided, multiple submitters, no conflicts (2 of 4 stars). 3 submissions from 3 submitters: Likely benign (3). Last evaluated 2026-04-01.

Allele frequency attached by ClinVar (database versions not stated): gnomAD 0.00036; TOPMed 0.00036; gnomAD exomes 0.00048; 1000 Genomes Project 30x 0.00062; 1000 Genomes Project 0.00080; ESP Exome Variant Server 0.00085.
gnomAD v4.1: 774 of 1,611,888 alleles (0.048%); highest among the groups gnomAD compares: Middle Eastern, 0.17%; 1 homozygote.

Submissions (3):

CeGaT Center for Human Genetics Tuebingen
Classification: Likely benign. Last evaluated: 2026-04-01. Review status: criteria provided, single submitter. Criteria: CeGaT Center For Human Genetics Tuebingen Variant Classification Criteria Version 2. Collection method: clinical testing. Allele origin: germline. Affected: yes. Observed: 4 variant alleles.
Comment: CASZ1: BP4, BP7

Labcorp Genetics (formerly Invitae), Labcorp
Classification: Likely benign. Last evaluated: 2025-12-22. Review status: criteria provided, single submitter. Criteria: Invitae Variant Classification Sherloc (09022015). Collection method: clinical testing. Allele origin: germline.

Blueprint Genetics
Classification: Likely benign. Last evaluated: 2024-11-08. Review status: criteria provided, single submitter. Criteria: ACMG Guidelines, 2015. Collection method: clinical testing. Allele origin: germline.